The following is an entry in ClinVar:

NM_001387690.1(KATNAL2):c.879C>T (p.Tyr293=)

Gene: KATNAL2 (katanin catalytic subunit A1 like 2; plus strand). Cytogenetic location: 18q21.1.
Variant type: single nucleotide variant.
Coding change: c.879C>T on transcript NM_001387690.1 (MANE Select); coding-DNA position 879, C replaced by T.
Protein change: p.Tyr293=; no amino-acid change (tyrosine 293 retained).
Molecular consequence: synonymous variant. On other transcripts: non-coding transcript variant (1).
Genome position (GRCh38, 1-based): chr18:47,069,273, C>T. VCF-style: chr18-47069273-C-T. GRCh37 (hg19) VCF-style: chr18-44595644-C-T.
Other names: c.957C>T, p.Tyr319= (NM_001353899.1); c.954C>T, p.Tyr318= (NM_001353900.1); c.879C>T, p.Tyr293= (NM_001353901.1, NM_001367621.1); c.858C>T, p.Tyr286= (NM_001353902.1); c.546C>T, p.Tyr182= (NM_001353903.1, NM_001353905.1, NM_001353906.1 and 1 more transcripts); c.447C>T, p.Tyr149= (NM_001353904.1, NM_001353908.1, NM_001353909.1); c.663C>T, p.Tyr221= (NM_031303.3).
Identifiers: ClinVar variation 3234237 (VCV003234237.20), dbSNP rs148972019, ClinGen allele CA8955124.
Genomic context (GRCh38, chr18:47,069,273, plus strand): 5'-TCCTTAGTATCCACAGCTATTTACAGGAATTCTTTCTCCCTGGAAAGGACTACTGCTGTA[C>T]GGCCCTCCAGGTAAACACAGCTTCCTATTTTGATGTCAGTGTTAAGTGTGTGTGCAGAGG-3'
Protein context (NP_001374619.1, residues 283-303): ILSPWKGLLL[Tyr293=]GPPGTGKTLL

ClinVar aggregate classification (germline): Likely benign (1 of 4 stars; one submission).

Allele frequency attached by ClinVar (database versions not stated): gnomAD 0.00006; TOPMed 0.00007; gnomAD exomes 0.00012; ESP Exome Variant Server 0.00015; ExAC 0.00017.
gnomAD v4.1: 187 of 1,608,968 alleles (0.012%); highest among the groups gnomAD compares: South Asian, 0.05%; 1 homozygote.

Submission:

CeGaT Center for Human Genetics Tuebingen
Classification: Likely benign. Last evaluated: 2026-01-01. Review status: criteria provided, single submitter. Criteria: CeGaT Center For Human Genetics Tuebingen Variant Classification Criteria Version 2. Collection method: clinical testing. Allele origin: germline. Affected: yes. Observed: 3 variant alleles.
Comment: KATNAL2: BP4, BP7